The following is an entry in ClinVar:

NM_004260.4(RECQL4):c.114C>T (p.Thr38=)

Genes: RECQL4 (RecQ like helicase 4; minus strand), LOC130001411 (ATAC-STARR-seq lymphoblastoid silent region 19699; plus strand). Cytogenetic location: 8q24.3.
Variant type: single nucleotide variant.
Coding change: c.114C>T on transcript NM_004260.4 (MANE Select); coding-DNA position 114, C replaced by T.
Protein change: p.Thr38=; no amino-acid change (threonine 38 retained).
Molecular consequence: synonymous variant.
Genome position (GRCh38, 1-based): chr8:144,517,606, G>A on the plus strand (C>T on the coding strand, the complement: RECQL4 is on the minus strand). VCF-style: chr8-144517606-G-A. GRCh37 (hg19) VCF-style: chr8-145742990-G-A.
Identifiers: ClinVar variation 459306 (VCV000459306.13), dbSNP rs948891282, ClinGen allele CA187691140.

ClinVar aggregate classification (germline): Likely benign. Review status: criteria provided, multiple submitters, no conflicts (2 of 4 stars). 3 submissions from 3 submitters: Likely benign (2). 1 of the submissions does not count toward it. Last evaluated 2025-12-17.

Conditions:
RECQL4-related disorder. Also called: RECQL4-related condition; RECQL4-related disorders.
Inborn genetic diseases. Identifiers: MedGen C0950123, MeSH D030342.
Baller-Gerold syndrome (BGS). Also called: CRANIOSYNOSTOSIS WITH RADIAL DEFECTS. Identifiers: Orphanet 1225, MedGen C0265308, MONDO:0009039, OMIM 218600.

Submissions (3):

Labcorp Genetics (formerly Invitae), Labcorp
Classification: Likely benign for Baller-Gerold syndrome. Last evaluated: 2025-12-17. Review status: criteria provided, single submitter. Criteria: Invitae Variant Classification Sherloc (09022015). Collection method: clinical testing. Allele origin: germline.

Ambry Genetics
Classification: Likely benign for Inborn genetic diseases. Last evaluated: 2024-11-26. Review status: criteria provided, single submitter. Criteria: Ambry Variant Classification Scheme 2023. Collection method: clinical testing. Allele origin: germline.

PreventionGenetics, part of Exact Sciences
Classification: Likely benign for RECQL4-related condition. Last evaluated: 2023-02-18. Review status: no assertion criteria provided. Collection method: clinical testing. Allele origin: germline. Not counted in ClinVar's aggregate classification.
Comment: This variant is classified as likely benign based on ACMG/AMP sequence variant interpretation guidelines (Richards et al. 2015 PMID: 25741868, with internal and published modifications).